The following is an entry in ClinVar:

NM_152564.5(VPS13B):c.5815T>G (p.Leu1939Val)

Gene: VPS13B (vacuolar protein sorting 13 homolog B; plus strand). Cytogenetic location: 8q22.2.
Variant type: single nucleotide variant.
Coding change: c.5815T>G on transcript NM_152564.5 (MANE Select); coding-DNA position 5815, T replaced by G.
Protein change: p.Leu1939Val; replaces leucine 1939 with valine.
Molecular consequence: missense variant.
Genome position (GRCh38, 1-based): chr8:99,642,405, T>G. VCF-style: chr8-99642405-T-G. GRCh37 (hg19) VCF-style: chr8-100654633-T-G.
Other names: c.5890T>G, p.Leu1964Val (NM_017890.5); c.5815T>G (NM_152564.4); short protein forms L1939V, L1964V.
Identifiers: ClinVar variation 361069 (VCV000361069.11), dbSNP rs751559027, ClinGen allele CA4823875.

ClinVar aggregate classification (germline): Uncertain significance. Review status: criteria provided, multiple submitters, no conflicts (2 of 4 stars). 3 submissions from 3 submitters: Uncertain significance (3). Last evaluated 2026-07-15.

Conditions:
Cohen syndrome (COH1). Also called: PEPPER SYNDROME; Cutis verticis gyrata, retinitis pigmentosa, and sensorineural deafness. Identifiers: Orphanet 193, MedGen C0265223, MONDO:0008999, OMIM 216550.
VPS13B-related disorder. Also called: VPS13B-related condition.

Allele frequency attached by ClinVar (database versions not stated): TOPMed 0.00002; 1000 Genomes Project 30x 0.00016.
gnomAD v4.1: 4 of 1,614,114 alleles (0.00025%); highest among the groups gnomAD compares: African/African-American, 0.004%; no homozygotes.

Submissions (3):

PreventionGenetics, part of Exact Sciences
Classification: Uncertain significance for VPS13B-related condition. Last evaluated: 2026-07-15. Review status: criteria provided, single submitter. Criteria: ACMG Guidelines, 2015. Collection method: clinical testing. Allele origin: germline.
Comment: The VPS13B c.5815T>G variant is predicted to result in the amino acid substitution p.Leu1939Val. To our knowledge, this variant has not been reported in the literature. This variant is reported in 0.0062% of alleles in individuals of African descent in gnomAD. At this time, the clinical significance of this variant is uncertain due to the absence of conclusive functional and genetic evidence.

Labcorp Genetics (formerly Invitae), Labcorp
Classification: Uncertain significance for Cohen syndrome. Last evaluated: 2022-07-03. Review status: criteria provided, single submitter. Criteria: Invitae Variant Classification Sherloc (09022015). Collection method: clinical testing. Allele origin: germline.
Comment: This sequence change replaces leucine, which is neutral and non-polar, with valine, which is neutral and non-polar, at codon 1964 of the VPS13B protein (p.Leu1964Val). This variant is present in population databases (rs751559027, gnomAD 0.007%). This variant has not been reported in the literature in individuals affected with VPS13B-related conditions. ClinVar contains an entry for this variant (Variation ID: 361069). Algorithms developed to predict the effect of missense changes on protein structure and function are either unavailable or do not agree on the potential impact of this missense change (SIFT: "Not Available"; PolyPhen-2: "Possibly Damaging"; Align-GVGD: "Not Available"). In summary, the available evidence is currently insufficient to determine the role of this variant in disease. Therefore, it has been classified as a Variant of Uncertain Significance.

Illumina Laboratory Services, Illumina
Classification: Uncertain significance for Cohen syndrome. Last evaluated: 2018-01-12. Review status: criteria provided, single submitter. Criteria: ICSL Variant Classification Criteria 13 December 2019. Collection method: clinical testing. Allele origin: germline.